The following is an entry in ClinVar:

ClinVar aggregate classification (germline): Likely benign (1 of 4 stars; one submission).

Conditions:
INPP5E-related disorder. Also called: INPP5E-related condition.

Submission:

PreventionGenetics, part of Exact Sciences
Classification: Likely benign for INPP5E-related condition. Last evaluated: 2025-02-05. Review status: criteria provided, single submitter. Criteria: ACMG Guidelines, 2015. Collection method: clinical testing. Allele origin: germline.
Comment: This variant is classified as likely benign based on ACMG/AMP sequence variant interpretation guidelines (Richards et al. 2015 PMID: 25741868, with internal and published modifications).

NM_019892.6(INPP5E):c.937-7C>T

Gene: INPP5E (inositol polyphosphate-5-phosphatase E; minus strand). Cytogenetic location: 9q34.3.
Variant type: single nucleotide variant.
Coding change: c.937-7C>T on transcript NM_019892.6 (MANE Select); 7 bases into the intron before coding-DNA position 937, C replaced by T.
Molecular consequence: intron variant.
Genome position (GRCh38, 1-based): chr9:136,434,141, G>A on the plus strand (C>T on the coding strand, the complement: INPP5E is on the minus strand). VCF-style: chr9-136434141-G-A. GRCh37 (hg19) VCF-style: chr9-139328593-G-A.
Other names: c.937-7C>T (NM_001318502.2).
Identifiers: ClinVar variation 4998823 (VCV004998823.1).